The following is an entry in ClinVar:

ClinVar aggregate classification (germline): Uncertain significance (1 of 4 stars; one submission).

Conditions:
Congenital myasthenic syndrome 8. Also called: MYASTHENIC SYNDROME, CONGENITAL, DUE TO AGRIN DEFICIENCY; Myasthenic syndrome, congenital, 8, with pre- and postsynaptic defects. Identifiers: Orphanet 590, MedGen C3808739, MONDO:0014052, OMIM 615120.

gnomAD v4.1: 1 of 1,611,884 alleles (0.000062%); highest among the groups gnomAD compares: East Asian, 0.0022%; no homozygotes.

Submission:

Labcorp Genetics (formerly Invitae), Labcorp
Classification: Uncertain significance for Congenital myasthenic syndrome 8. Last evaluated: 2022-02-22. Review status: criteria provided, single submitter. Criteria: Invitae Variant Classification Sherloc (09022015). Collection method: clinical testing. Allele origin: germline.
Comment: This variant is not present in population databases (gnomAD no frequency). This variant has not been reported in the literature in individuals affected with AGRN-related conditions. Algorithms developed to predict the effect of missense changes on protein structure and function are either unavailable or do not agree on the potential impact of this missense change (SIFT: "Deleterious"; PolyPhen-2: "Benign"; Align-GVGD: "Class C0"). In summary, the available evidence is currently insufficient to determine the role of this variant in disease. Therefore, it has been classified as a Variant of Uncertain Significance. This sequence change replaces serine, which is neutral and polar, with arginine, which is basic and polar, at codon 1590 of the AGRN protein (p.Ser1590Arg).

NM_198576.4(AGRN):c.4770C>A (p.Ser1590Arg)

Gene: AGRN (agrin; plus strand). Cytogenetic location: 1p36.33.
Variant type: single nucleotide variant.
Coding change: c.4770C>A on transcript NM_198576.4 (MANE Select); coding-DNA position 4770, C replaced by A.
Protein change: p.Ser1590Arg; replaces serine 1590 with arginine.
Molecular consequence: missense variant.
Genome position (GRCh38, 1-based): chr1:1,049,928, C>A. VCF-style: chr1-1049928-C-A. GRCh37 (hg19) VCF-style: chr1-985308-C-A.
Other names: c.4770C>A, p.Ser1590Arg (NM_001305275.2); c.4455C>A, p.Ser1485Arg (NM_001364727.2); short protein forms S1485R, S1590R.
Identifiers: ClinVar variation 1927314 (VCV001927314.5), dbSNP rs1401089528, ClinGen allele CA337779367.
Genomic context (GRCh38, chr1:1,049,928, plus strand): 5'-GGACCTCGGTCCCGGTCCCGTCTTCCTCCATCCAGGACCAACCTGTGCCGATGAGAAGAG[C>A]CCCTGCCAGCCCAACCCCTGCCATGGGGCGGCGCCCTGCCGTGTGCTGCCCGAGGGTGGT-3'
Protein context (NP_940978.2, residues 1580-1600): RVGPTCADEK[Ser1590Arg]PCQPNPCHGA